The following is an entry in ClinVar:

NM_001199267.2(DGKZ):c.162-557C>T

Gene: DGKZ (diacylglycerol kinase zeta; plus strand). Cytogenetic location: 11p11.2.
Variant type: single nucleotide variant.
Coding change: c.162-557C>T on transcript NM_001199267.2 (MANE Select); 557 bases into the intron before coding-DNA position 162, C replaced by T.
Molecular consequence: intron variant. On other transcripts: missense variant (1).
Genome position (GRCh38, 1-based): chr11:46,366,734, C>T. VCF-style: chr11-46366734-C-T. GRCh37 (hg19) VCF-style: chr11-46388284-C-T.
Other names: c.478C>T, p.Arg160Cys (NM_001105540.2); c.213-557C>T (NM_201532.3); c.177-557C>T (NM_201533.3); c.162-557C>T (NM_001199266.2, NM_003646.4, NM_001199268.2); short protein forms R160C.
Identifiers: ClinVar variation 2964663 (VCV002964663.3), dbSNP rs769790583, ClinGen allele CA5962168.

ClinVar aggregate classification (germline): Uncertain significance (1 of 4 stars; one submission).

Allele frequency attached by ClinVar (database versions not stated): TOPMed below 0.00001; gnomAD 0.00001; gnomAD exomes 0.00001; ExAC 0.00005.
gnomAD v4.1: 16 of 1,552,178 alleles (0.001%); highest among the groups gnomAD compares: Non-Finnish European, 0.0012%; no homozygotes.

Submission:

Labcorp Genetics (formerly Invitae), Labcorp
Classification: Uncertain significance. Last evaluated: 2024-03-20. Review status: criteria provided, single submitter. Criteria: Invitae Variant Classification Sherloc (09022015). Collection method: clinical testing. Allele origin: germline.
Comment: This sequence change replaces arginine, which is basic and polar, with cysteine, which is neutral and slightly polar, at codon 160 of the DGKZ protein (p.Arg160Cys). The frequency data for this variant in the population databases is considered unreliable, as metrics indicate poor data quality at this position in the gnomAD database. This variant has not been reported in the literature in individuals affected with DGKZ-related conditions. An algorithm developed to predict the effect of missense changes on protein structure and function (PolyPhen-2) suggests that this variant is likely to be disruptive. In summary, the available evidence is currently insufficient to determine the role of this variant in disease. Therefore, it has been classified as a Variant of Uncertain Significance.